The following is an entry in ClinVar:

ClinVar aggregate classification (germline): Benign. Review status: criteria provided, multiple submitters, no conflicts (2 of 4 stars). 11 submissions from 11 submitters: Benign (10). 1 of the submissions does not count toward it. Last evaluated 2026-02-04.

Conditions:
Inborn genetic diseases. Identifiers: MedGen C0950123, MeSH D030342.
Landau-Kleffner syndrome (FESD). Also called: APHASIA, ACQUIRED, WITH EPILEPSY; EPILEPSY, FOCAL, WITH SPEECH DISORDER AND WITH OR WITHOUT MENTAL RETARDATION. Identifiers: Orphanet 1945, Orphanet 725, Orphanet 98818, MedGen C0282512, MONDO:0009509, OMIM 245570.

Allele frequency attached by ClinVar (database versions not stated): gnomAD exomes 0.25604; ExAC 0.26482; 1000 Genomes Project 0.28115; 1000 Genomes Project 30x 0.28951; TOPMed 0.32983; gnomAD 0.33435; ESP Exome Variant Server 0.35109.
gnomAD v4.1: 434,124 of 1,609,860 alleles (27%); highest among the groups gnomAD compares: African/African-American, 50%; 62,557 homozygotes.

Submissions (11):

Labcorp Genetics (formerly Invitae), Labcorp
Classification: Benign for Landau-Kleffner syndrome. Last evaluated: 2026-02-04. Review status: criteria provided, single submitter. Criteria: Invitae Variant Classification Sherloc (09022015). Collection method: clinical testing. Allele origin: germline.

Blueprint Genetics
Classification: Benign. Last evaluated: 2024-11-27. Review status: criteria provided, single submitter. Criteria: ACMG Guidelines, 2015. Collection method: clinical testing. Allele origin: germline.

Unidad de Genómica Garrahan, Hospital de Pediatría Garrahan
Classification: Benign. Last evaluated: 2024-07-15. Review status: criteria provided, single submitter. Criteria: ACMG Guidelines, 2015. Collection method: clinical testing. Allele origin: germline. Affected: no. Observed: 36 variant alleles.
Comment: This variant is classified as Benign based on local population frequency. This variant was detected in 39% of patients studied in a panel designed for Epileptic and Developmental Encephalopathy and Progressive Myoclonus Epilepsy. Number of patients: 36. Only high quality variants are reported.

Mayo Clinic Laboratories, Mayo Clinic
Classification: Benign. Last evaluated: 2018-04-02. Review status: criteria provided, single submitter. Criteria: ACMG Guidelines, 2015. Collection method: clinical testing. Allele origin: germline. Observed: 286 variant alleles.

Illumina Laboratory Services, Illumina
Classification: Benign for Landau-Kleffner syndrome. Last evaluated: 2018-01-12. Review status: criteria provided, single submitter. Criteria: ICSL Variant Classification Criteria 13 December 2019. Collection method: clinical testing. Allele origin: germline.
Comment: This variant was observed in the ICSL laboratory as part of a predisposition screen in an ostensibly healthy population. It had not been previously curated by ICSL or reported in the Human Gene Mutation Database (HGMD: prior to June 1st, 2018), and was therefore a candidate for classification through an automated scoring system. Utilizing variant allele frequency, disease prevalence and penetrance estimates, and inheritance mode, an automated score was calculated to assess if this variant is too frequent to cause the disease. Based on the score and internal cut-off values, a variant classified as benign is not then subjected to further curation. The score for this variant resulted in a classification of benign for this disease.

Eurofins Ntd Llc (ga)
Classification: Benign. Last evaluated: 2016-10-25. Review status: criteria provided, single submitter. Criteria: EGL Classification Definitions 2015. Collection method: clinical testing. Allele origin: germline. Observed: 3 variant alleles, 1 heterozygote, 2 homozygotes.

Ambry Genetics
Classification: Benign for Inborn genetic diseases. Last evaluated: 2015-12-31. Review status: criteria provided, single submitter. Criteria: Ambry Variant Classification Scheme 2023. Collection method: clinical testing. Allele origin: germline.

GeneDx
Classification: Benign. Last evaluated: 2013-10-29. Review status: criteria provided, single submitter. Criteria: GeneDx Variant Classification (06012015). Collection method: clinical testing. Allele origin: germline. Affected: yes.
Comment: This variant is considered likely benign or benign based on one or more of the following criteria: it is a conservative change, it occurs at a poorly conserved position in the protein, it is predicted to be benign by multiple in silico algorithms, and/or has population frequency not consistent with disease.

Breakthrough Genomics
Classification: Benign. Review status: criteria provided, single submitter. Criteria: ACMG Guidelines, 2015. Collection method: not provided. Allele origin: germline. Inheritance: Autosomal dominant inheritance. Affected: yes.

PreventionGenetics, part of Exact Sciences
Classification: Benign. Review status: criteria provided, single submitter. Criteria: ACMG Guidelines, 2015. Collection method: clinical testing. Allele origin: germline.

Genetic Services Laboratory, University of Chicago
Classification: Likely benign for AllHighlyPenetrant. Review status: no assertion criteria provided. Collection method: clinical testing. Allele origin: germline. Inheritance: Autosomal dominant inheritance. Not counted in ClinVar's aggregate classification.
Comment: Likely benign based on allele frequency in 1000 Genomes Project or ESP global frequency and its presence in a patient with a rare or unrelated disease phenotype. NOT Sanger confirmed.

NM_001134407.3(GRIN2A):c.2085G>C (p.Arg695=)

Gene: GRIN2A (glutamate ionotropic receptor NMDA type subunit 2A; minus strand). Cytogenetic location: 16p13.2.
Variant type: single nucleotide variant.
Coding change: c.2085G>C on transcript NM_001134407.3 (MANE Select); coding-DNA position 2085, G replaced by C.
Protein change: p.Arg695=; no amino-acid change (arginine 695 retained).
Molecular consequence: synonymous variant.
Genome position (GRCh38, 1-based): chr16:9,822,347, C>G on the plus strand (G>C on the coding strand, the complement: GRIN2A is on the minus strand). VCF-style: chr16-9822347-C-G. GRCh37 (hg19) VCF-style: chr16-9916204-C-G.
Other names: p.R695R:CGG>CGC; p.Arg695=; c.2085G>C, p.Arg695= (NM_000833.5, NM_001134408.2).
Identifiers: ClinVar variation 129192 (VCV000129192.30), dbSNP rs9806806, ClinGen allele CA288892.